The following is an entry in ClinVar:

ClinVar aggregate classification (germline): Uncertain significance (1 of 4 stars; one submission).

Conditions:
ALG9 congenital disorder of glycosylation (CDG1L). Also called: CONGENITAL DISORDER OF GLYCOSYLATION, TYPE Il; ALG9-CDG; CDG Il. Identifiers: Orphanet 79328, MedGen C2931006, MONDO:0012117, OMIM 608776.

gnomAD v4.1: 1 of 1,614,134 alleles (0.000062%); highest among the groups gnomAD compares: Non-Finnish European, 0.000085%; no homozygotes.

Submission:

Labcorp Genetics (formerly Invitae), Labcorp
Classification: Uncertain significance for ALG9 congenital disorder of glycosylation. Last evaluated: 2022-05-27. Review status: criteria provided, single submitter. Criteria: Invitae Variant Classification Sherloc (09022015). Collection method: clinical testing. Allele origin: germline.
Comment: This sequence change replaces methionine, which is neutral and non-polar, with valine, which is neutral and non-polar, at codon 594 of the ATP6V0A2 protein (p.Met594Val). This variant is not present in population databases (gnomAD no frequency). This variant has not been reported in the literature in individuals affected with ATP6V0A2-related conditions. Algorithms developed to predict the effect of missense changes on protein structure and function are either unavailable or do not agree on the potential impact of this missense change (SIFT: "Deleterious"; PolyPhen-2: "Benign"; Align-GVGD: "Class C0"). In summary, the available evidence is currently insufficient to determine the role of this variant in disease. Therefore, it has been classified as a Variant of Uncertain Significance.

NM_012463.4(ATP6V0A2):c.1780A>G (p.Met594Val)

Genes: ATP6V0A2 (ATPase H+ transporting V0 subunit a2; plus strand), LOC126861666 (CDK7 strongly-dependent group 2 enhancer GRCh37_chr12:124232793-124233992; plus strand). Cytogenetic location: 12q24.31.
Variant type: single nucleotide variant.
Coding change: c.1780A>G on transcript NM_012463.4 (MANE Select); coding-DNA position 1780, A replaced by G.
Protein change: p.Met594Val; replaces methionine 594 with valine.
Molecular consequence: missense variant.
Genome position (GRCh38, 1-based): chr12:123,748,630, A>G. VCF-style: chr12-123748630-A-G. GRCh37 (hg19) VCF-style: chr12-124233177-A-G.
Other names: short protein forms M594V.
Identifiers: ClinVar variation 1999453 (VCV001999453.4), dbSNP rs2541868667, ClinGen allele CA387161021.